The following is an entry in ClinVar:

ClinVar aggregate classification (germline): Conflicting classifications of pathogenicity. Review status: criteria provided, conflicting classifications (1 of 4 stars). 2 submissions from 2 submitters: Likely pathogenic (1); Uncertain significance (1). Last evaluated 2026-03-17.

Conditions:
Chuvash polycythemia. Also called: POLYCYTHEMIA, VHL-DEPENDENT. Identifiers: Orphanet 238557, MedGen C1837915, MONDO:0009892, OMIM 263400.
Von Hippel-Lindau syndrome (VHLS). Also called: Von Hippel-Lindau; von Hippel–Lindau syndrome; VHL syndrome. Identifiers: Orphanet 892, MedGen C0019562, MONDO:0008667, OMIM 193300. Disease mechanism: loss of function.
Hereditary cancer-predisposing syndrome. Also called: Tumor predisposition; Neoplastic Syndromes, Hereditary; Hereditary Cancer Syndrome; Hereditary neoplastic syndrome. Identifiers: Orphanet 140162, MedGen C0027672, MeSH D009386, MONDO:0015356.

Submissions (2):

Ambry Genetics
Classification: Uncertain significance for Hereditary cancer-predisposing syndrome. Last evaluated: 2026-03-17. Review status: criteria provided, single submitter. Criteria: Ambry Variant Classification Scheme 2023. Collection method: clinical testing. Allele origin: germline.
Comment: The p.P103L variant (also known as c.308C>T), located in coding exon 1 of the VHL gene, results from a C to T substitution at nucleotide position 308. The proline at codon 103 is replaced by leucine, an amino acid with similar properties. This variant was reported in individual(s) with VHL-associated tumors (Sjursen W et al. Fam Cancer, 2013 Sep;12:529-35; Choi H et al. Endocrinol Metab (Seoul), 2020 Dec;35:858-872; Ambry internal data). Based on internal structural assessment, this alteration results in local destabilization of the VHL fold, near the HIF1&alpha; interface (Van Molle I et al. Chem. Biol., 2012 Oct;19:1300-12). However, this variant was determined to be functionally neutral in one saturation genome editing assay (Buckley M et al. Nat Genet, 2024 Jul;56:1446-1455). This amino acid position is highly conserved in available vertebrate species. In addition, this alteration is predicted to be deleterious by in silico analysis. Based on the available evidence, the clinical significance of this variant remains unclear.

Labcorp Genetics (formerly Invitae), Labcorp
Classification: Likely pathogenic for Von Hippel-Lindau syndrome; Chuvash polycythemia. Last evaluated: 2021-01-22. Review status: criteria provided, single submitter. Criteria: Invitae Variant Classification Sherloc (09022015). Collection method: clinical testing. Allele origin: germline.
Comment: This variant has been observed in individual(s) with pheochromocytoma and paraganglioma (PMID: 23407919, Invitae). In summary, the currently available evidence indicates that the variant is pathogenic, but additional data are needed to prove that conclusively. Therefore, this variant has been classified as Likely Pathogenic. This variant disrupts the p.Pro103 amino acid residue in VHL. Other variant(s) that disrupt this residue have been observed in individuals with VHL-related conditions (PMID: 21463266, 18928468, 30877234), which suggests that this may be a clinically significant amino acid residue. Advanced modeling of protein sequence and biophysical properties (such as structural, functional, and spatial information, amino acid conservation, physicochemical variation, residue mobility, and thermodynamic stability) performed at Invitae indicates that this missense variant is expected to disrupt VHL protein function. This variant is not present in population databases (ExAC no frequency). This sequence change replaces proline with leucine at codon 103 of the VHL protein (p.Pro103Leu). The proline residue is moderately conserved and there is a moderate physicochemical difference between proline and leucine.

Literature cited by the submitters: PubMed 18928468 (cited by Ambry Genetics and Labcorp Genetics (formerly Invitae), Labcorp); PubMed 23102223 (cited by Ambry Genetics); PubMed 23407919 (cited by Ambry Genetics and Labcorp Genetics (formerly Invitae), Labcorp); PubMed 33397040 (cited by Ambry Genetics); PubMed 38969834 (cited by Ambry Genetics); PubMed 21463266 (cited by Labcorp Genetics (formerly Invitae), Labcorp); PubMed 30877234 (cited by Labcorp Genetics (formerly Invitae), Labcorp).

NM_000551.4(VHL):c.308C>T (p.Pro103Leu)

Gene: VHL (von Hippel-Lindau tumor suppressor; plus strand). Cytogenetic location: 3p25.3.
Variant type: single nucleotide variant.
Coding change: c.308C>T on transcript NM_000551.4 (MANE Select); coding-DNA position 308, C replaced by T.
Protein change: p.Pro103Leu; replaces proline 103 with leucine.
Molecular consequence: missense variant.
Genome position (GRCh38, 1-based): chr3:10,142,155, C>T. VCF-style: chr3-10142155-C-T. GRCh37 (hg19) VCF-style: chr3-10183839-C-T.
Other names: c.308C>T, p.Pro103Leu (NM_001354723.2, NM_198156.3); short protein forms P103L.
Identifiers: ClinVar variation 1488386 (VCV001488386.11), dbSNP rs2125125299, ClinGen allele CA351751083.
Genomic context (GRCh38, chr3:10,142,155, plus strand): 5'-TCGTGCTGCCCGTATGGCTCAACTTCGACGGCGAGCCGCAGCCCTACCCAACGCTGCCGC[C>T]TGGCACGGGCCGCCGCATCCACAGCTACCGAGGTACGGGCCCGGCGCTTAGGCCCGACCC-3'
Protein context (NP_000542.1, residues 93-113): GEPQPYPTLP[Pro103Leu]GTGRRIHSYR